The following is an entry in ClinVar:

NM_058195.4(CDKN2A):c.115G>A (p.Ala39Thr)

Gene: CDKN2A (cyclin dependent kinase inhibitor 2A; minus strand). Cytogenetic location: 9p21.3.
Variant type: single nucleotide variant.
Coding change: c.115G>A on transcript NM_058195.4 (MANE Plus Clinical); coding-DNA position 115, G replaced by A.
Protein change: p.Ala39Thr; replaces alanine 39 with threonine.
Molecular consequence: missense variant. On other transcripts: intron variant (1).
Genome position (GRCh38, 1-based): chr9:21,994,217, C>T on the plus strand (G>A on the coding strand, the complement: CDKN2A is on the minus strand). VCF-style: chr9-21994217-C-T. GRCh37 (hg19) VCF-style: chr9-21994216-C-T.
Other names: c.-4+604G>A (NM_001363763.2); short protein forms A39T.
Identifiers: ClinVar variation 422092 (VCV000422092.7), dbSNP rs1064795551, ClinGen allele CA16618841.
Genomic context (GRCh38, chr9:21,994,217, plus strand): 5'-GCTGCTGCCCTAGACGCTGGCTCCTCAGTAGCATCAGCACGAGGGCCACAGCGGCGGGCG[C>T]CCCTGGCGCTGCCCACTCCCCCGTGAGCCGCGGGATGTGAACCACGAAAACCCTCACTCG-3'
Protein context (NP_478102.2, residues 29-49): RLTGEWAAPG[Ala39Thr]PAAVALVLML

ClinVar aggregate classification (germline): Conflicting classifications of pathogenicity. Review status: criteria provided, conflicting classifications (1 of 4 stars). 4 submissions from 4 submitters: Uncertain significance (3); Likely benign (1). Last evaluated 2023-12-20.

Conditions:
Familial melanoma. Also called: Hereditary melanoma; Hereditary cutaneous melanoma. Identifiers: Orphanet 618, MedGen C1512419, MONDO:0018961.
Hereditary cancer-predisposing syndrome. Also called: Neoplastic Syndromes, Hereditary; Hereditary Cancer Syndrome; Tumor predisposition; Hereditary neoplastic syndrome. Identifiers: Orphanet 140162, MedGen C0027672, MeSH D009386, MONDO:0015356.

Allele frequency attached by ClinVar (database versions not stated): gnomAD 0.00001; gnomAD exomes below 0.00001.
gnomAD v4.1: 3 of 1,605,612 alleles (0.00019%); highest among the groups gnomAD compares: African/African-American, 0.0013%; no homozygotes.

Submissions (4):

Ambry Genetics
Classification: Likely benign for Hereditary cancer-predisposing syndrome. Last evaluated: 2023-12-20. Review status: criteria provided, single submitter. Criteria: Ambry Variant Classification Scheme 2023. Collection method: clinical testing. Allele origin: germline.

Sema4
Classification: Uncertain significance for Hereditary cancer-predisposing syndrome. Last evaluated: 2022-03-02. Review status: criteria provided, single submitter. Criteria: Sema4 Curation Guidelines. Collection method: curation. Allele origin: germline.
Comment: The c.115G>A (p.A39T) variant in the CDKN2A P14-ARF alternative transcript (NM_058195.3) has not been reported in the literature to our knowledge. This variant is not reported in the population database Genome Aggregation Database (PMID: 32461654). The variant has been reported in ClinVar (Variation ID: 422092). Functional studies have not been performed, and in silico predictions of the variant's effect on protein function are inconclusive. The evidence is insufficient to meet ACMG/AMP criteria for classifying the variant as benign or pathogenic. Thus, the clinical significance of this variant is currently uncertain.

Labcorp Genetics (formerly Invitae), Labcorp
Classification: Uncertain significance for Familial melanoma. Last evaluated: 2021-08-23. Review status: criteria provided, single submitter. Criteria: Invitae Variant Classification Sherloc (09022015). Collection method: clinical testing. Allele origin: germline.
Comment: This sequence change replaces alanine with threonine at codon 39 of the CDKN2A (p14ARF) protein (p.Ala39Thr). The alanine residue is weakly conserved and there is a small physicochemical difference between alanine and threonine. This variant is not present in population databases (ExAC no frequency). This variant has not been reported in the literature in individuals affected with CDKN2A (p14ARF)-related conditions. ClinVar contains an entry for this variant (Variation ID: 422092). Algorithms developed to predict the effect of missense changes on protein structure and function (SIFT, PolyPhen-2, Align-GVGD) all suggest that this variant is likely to be tolerated. In summary, the available evidence is currently insufficient to determine the role of this variant in disease. Therefore, it has been classified as a Variant of Uncertain Significance.

GeneDx
Classification: Uncertain significance. Last evaluated: 2019-05-24. Review status: criteria provided, single submitter. Criteria: GeneDx Variant Classification Process June 2021. Collection method: clinical testing. Allele origin: germline. Affected: yes.
Comment: Not observed in large population cohorts (Lek et al., 2016); Has not been previously published as pathogenic or benign to our knowledge